The following is an entry in ClinVar:

NM_001371986.1(UNC80):c.8306A>G (p.Asn2769Ser)

Gene: UNC80 (unc-80 homolog, NALCN channel complex subunit; plus strand). Cytogenetic location: 2q34.
Variant type: single nucleotide variant.
Coding change: c.8306A>G on transcript NM_001371986.1 (MANE Select); coding-DNA position 8306, A replaced by G.
Protein change: p.Asn2769Ser; replaces asparagine 2769 with serine.
Molecular consequence: missense variant.
Genome position (GRCh38, 1-based): chr2:209,972,250, A>G. VCF-style: chr2-209972250-A-G. GRCh37 (hg19) VCF-style: chr2-210836974-A-G.
Other names: c.8108A>G, p.Asn2703Ser (NM_032504.2); c.8093A>G, p.Asn2698Ser (NM_182587.4); short protein forms N2769S, N2703S, N2698S.
Identifiers: ClinVar variation 1427243 (VCV001427243.3), dbSNP rs749301296, ClinGen allele CA2083548.
Genomic context (GRCh38, chr2:209,972,250, plus strand): 5'-TTGCTGCACAGGCTTTAAAAGAAGATTTTCCTTTAAGCCATGTGATCTCCCCATTCACCA[A>G]TCAAGAGCGAAGGGAGGGGATGCTTTTAAATCTGCTCATCCCATTTGTGCTCACAGTAGG-3'
Protein context (NP_001358915.1, residues 2759-2779): PLSHVISPFT[Asn2769Ser]QERREGMLLN

ClinVar aggregate classification (germline): Uncertain significance (1 of 4 stars; one submission).

Allele frequency attached by ClinVar (database versions not stated): gnomAD 0.00001; TOPMed 0.00001; gnomAD exomes 0.00002 and 0.00004; ExAC 0.00005.
gnomAD v4.1: 25 of 1,551,540 alleles (0.0016%); highest among the groups gnomAD compares: South Asian, 0.019%; no homozygotes.

Submission:

Labcorp Genetics (formerly Invitae), Labcorp
Classification: Uncertain significance. Last evaluated: 2021-12-23. Review status: criteria provided, single submitter. Criteria: Invitae Variant Classification Sherloc (09022015). Collection method: clinical testing. Allele origin: germline.
Comment: This sequence change replaces asparagine, which is neutral and polar, with serine, which is neutral and polar, at codon 2703 of the UNC80 protein (p.Asn2703Ser). This variant is present in population databases (rs749301296, gnomAD 0.03%). This variant has not been reported in the literature in individuals affected with UNC80-related conditions. Algorithms developed to predict the effect of missense changes on protein structure and function are either unavailable or do not agree on the potential impact of this missense change (SIFT: "Not Available"; PolyPhen-2: "Possibly Damaging"; Align-GVGD: "Not Available"). Algorithms developed to predict the effect of sequence changes on RNA splicing suggest that this variant may create or strengthen a splice site. In summary, the available evidence is currently insufficient to determine the role of this variant in disease. Therefore, it has been classified as a Variant of Uncertain Significance.